The following is an entry in ClinVar:

ClinVar aggregate classification (germline): Uncertain significance (1 of 4 stars; one submission).

Conditions:
GROWTH HORMONE DEFICIENCY WITH PITUITARY ANOMALIES. Identifiers: MedGen C2750027, OMIM 182230.
Septo-optic dysplasia sequence (SOD). Also called: DE MORSIER SYNDROME; Septo-optic dysplasia. Identifiers: Orphanet 3157, MedGen C0338503, MONDO:0008428, OMIM 182230, HP:0100842.

Submission:

Labcorp Genetics (formerly Invitae), Labcorp
Classification: Uncertain significance for GROWTH HORMONE DEFICIENCY WITH PITUITARY ANOMALIES; Septo-optic dysplasia sequence. Last evaluated: 2022-12-21. Review status: criteria provided, single submitter. Criteria: Invitae Variant Classification Sherloc (09022015). Collection method: clinical testing. Allele origin: germline.
Comment: This variant is not present in population databases (gnomAD no frequency). This sequence change replaces tyrosine, which is neutral and polar, with asparagine, which is neutral and polar, at codon 106 of the HESX1 protein (p.Tyr106Asn). This variant has not been reported in the literature in individuals affected with HESX1-related conditions. Algorithms developed to predict the effect of missense changes on protein structure and function are either unavailable or do not agree on the potential impact of this missense change (SIFT: "Deleterious"; PolyPhen-2: "Benign"; Align-GVGD: "Class C0"). In summary, the available evidence is currently insufficient to determine the role of this variant in disease. Therefore, it has been classified as a Variant of Uncertain Significance.

NM_003865.3(HESX1):c.316T>A (p.Tyr106Asn)

Gene: HESX1 (HESX homeobox 1; minus strand). Cytogenetic location: 3p14.3.
Variant type: single nucleotide variant.
Coding change: c.316T>A on transcript NM_003865.3 (MANE Select); coding-DNA position 316, T replaced by A.
Protein change: p.Tyr106Asn; replaces tyrosine 106 with asparagine.
Molecular consequence: missense variant.
Genome position (GRCh38, 1-based): chr3:57,198,794, A>T on the plus strand (T>A on the coding strand, the complement: HESX1 is on the minus strand). VCF-style: chr3-57198794-A-T. GRCh37 (hg19) VCF-style: chr3-57232822-A-T.
Other names: c.316T>A, p.Tyr106Asn (NM_001376058.1, NM_001376059.1, NM_001376060.1 and 1 more transcripts); short protein forms Y106N.
Identifiers: ClinVar variation 2939163 (VCV002939163.3), dbSNP rs200647627, ClinGen allele CA353401037.